The following is an entry in ClinVar:

ClinVar aggregate classification (germline): Benign/Likely benign. Review status: criteria provided, multiple submitters, no conflicts (2 of 4 stars). 4 submissions from 4 submitters: Benign (1); Likely benign (3). Last evaluated 2026-04-16.

Conditions:
DICER1-related tumor predisposition. Also called: DICER1 syndrome; DICER1-related pleuropulmonary blastoma cancer predisposition syndrome. Identifiers: Orphanet 284343, MedGen C3839822, MONDO:0100216.
Hereditary cancer-predisposing syndrome. Also called: Tumor predisposition; Hereditary Cancer Syndrome; Hereditary neoplastic syndrome; Neoplastic Syndromes, Hereditary. Identifiers: Orphanet 140162, MedGen C0027672, MeSH D009386, MONDO:0015356.

Allele frequency attached by ClinVar (database versions not stated): TOPMed below 0.00001; gnomAD 0.00002.
gnomAD v4.1: 3 of 1,614,052 alleles (0.00019%); highest among the groups gnomAD compares: African/African-American, 0.0027%; no homozygotes.

Submissions (4):

Myriad Genetics, Inc.
Classification: Benign for DICER1-related tumor predisposition. Last evaluated: 2026-04-16. Review status: criteria provided, single submitter. Criteria: Myriad Autosomal Dominant, Autosomal Recessive and X-Linked Classification Criteria (2023). Collection method: clinical testing. Allele origin: unknown.
Comment: This variant is considered benign. This variant is a silent/synonymous amino acid change and it is not expected to impact splicing.

Labcorp Genetics (formerly Invitae), Labcorp
Classification: Likely benign for DICER1-related tumor predisposition. Last evaluated: 2025-08-18. Review status: criteria provided, single submitter. Criteria: Invitae Variant Classification Sherloc (09022015). Collection method: clinical testing. Allele origin: germline.

Ambry Genetics
Classification: Likely benign for Hereditary cancer-predisposing syndrome. Last evaluated: 2022-06-18. Review status: criteria provided, single submitter. Criteria: Ambry Variant Classification Scheme 2023. Collection method: clinical testing. Allele origin: germline.

Sema4
Classification: Likely benign for Hereditary cancer-predisposing syndrome. Last evaluated: 2021-11-01. Review status: criteria provided, single submitter. Criteria: Sema4 Curation Guidelines. Collection method: curation. Allele origin: germline.

NM_177438.3(DICER1):c.2844T>C (p.Ala948=)

Gene: DICER1 (dicer 1, ribonuclease III; minus strand). Cytogenetic location: 14q32.13.
Variant type: single nucleotide variant.
Coding change: c.2844T>C on transcript NM_177438.3 (MANE Select); coding-DNA position 2844, T replaced by C.
Protein change: p.Ala948=; no amino-acid change (alanine 948 retained).
Molecular consequence: synonymous variant.
Genome position (GRCh38, 1-based): chr14:95,106,184, A>G on the plus strand (T>C on the coding strand, the complement: DICER1 is on the minus strand). VCF-style: chr14-95106184-A-G. GRCh37 (hg19) VCF-style: chr14-95572521-A-G.
Other names: c.2844T>C, p.Ala948= (NM_001195573.1, NM_001271282.3, NM_001291628.2 and 1 more transcripts).
Identifiers: ClinVar variation 742680 (VCV000742680.15), dbSNP rs1595374249, ClinGen allele CA487844772.